The following is an entry in ClinVar:

NM_177438.3(DICER1):c.1024A>G (p.Arg342Gly)

Gene: DICER1 (dicer 1, ribonuclease III; minus strand). Cytogenetic location: 14q32.13.
Variant type: single nucleotide variant.
Coding change: c.1024A>G on transcript NM_177438.3 (MANE Select); coding-DNA position 1024, A replaced by G.
Protein change: p.Arg342Gly; replaces arginine 342 with glycine.
Molecular consequence: missense variant.
Genome position (GRCh38, 1-based): chr14:95,124,548, T>C on the plus strand (A>G on the coding strand, the complement: DICER1 is on the minus strand). VCF-style: chr14-95124548-T-C. GRCh37 (hg19) VCF-style: chr14-95590885-T-C.
Other names: c.1024A>G, p.Arg342Gly (NM_001195573.1, NM_001271282.3, NM_001291628.2 and 1 more transcripts); short protein forms R342G.
Identifiers: ClinVar variation 1496801 (VCV001496801.11), dbSNP rs2140206621, ClinGen allele CA390887137.

ClinVar aggregate classification (germline): Uncertain significance. Review status: criteria provided, multiple submitters, no conflicts (2 of 4 stars). 2 submissions from 2 submitters: Uncertain significance (2). Last evaluated 2025-11-04.

Conditions:
DICER1-related tumor predisposition. Also called: DICER1 syndrome; DICER1-related pleuropulmonary blastoma cancer predisposition syndrome. Identifiers: Orphanet 284343, MedGen C3839822, MONDO:0100216.
Hereditary cancer-predisposing syndrome. Also called: Tumor predisposition; Hereditary neoplastic syndrome; Neoplastic Syndromes, Hereditary; Hereditary Cancer Syndrome. Identifiers: Orphanet 140162, MedGen C0027672, MeSH D009386, MONDO:0015356.

Allele frequency attached by ClinVar (database versions not stated): gnomAD exomes below 0.00001.
gnomAD v4.1: 2 of 1,613,968 alleles (0.00012%); highest among the groups gnomAD compares: Non-Finnish European, 0.00017%; no homozygotes.

Submissions (2):

Labcorp Genetics (formerly Invitae), Labcorp
Classification: Uncertain significance for DICER1-related tumor predisposition. Last evaluated: 2025-11-04. Review status: criteria provided, single submitter. Criteria: Invitae Variant Classification Sherloc (09022015). Collection method: clinical testing. Allele origin: germline.
Comment: This sequence change replaces arginine, which is basic and polar, with glycine, which is neutral and non-polar, at codon 342 of the DICER1 protein (p.Arg342Gly). This variant is not present in population databases (gnomAD no frequency). This variant has not been reported in the literature in individuals affected with DICER1-related conditions. ClinVar contains an entry for this variant (Variation ID: 1496801). Invitae Evidence Modeling of protein sequence and biophysical properties (such as structural, functional, and spatial information, amino acid conservation, physicochemical variation, residue mobility, and thermodynamic stability) indicates that this missense variant is not expected to disrupt DICER1 protein function with a negative predictive value of 95%. In summary, the available evidence is currently insufficient to determine the role of this variant in disease. Therefore, it has been classified as a Variant of Uncertain Significance.

Ambry Genetics
Classification: Uncertain significance for Hereditary cancer-predisposing syndrome. Last evaluated: 2022-10-02. Review status: criteria provided, single submitter. Criteria: Ambry Variant Classification Scheme 2023. Collection method: clinical testing. Allele origin: germline.
Comment: The p.R342G variant (also known as c.1024A>G), located in coding exon 7 of the DICER1 gene, results from an A to G substitution at nucleotide position 1024. The arginine at codon 342 is replaced by glycine, an amino acid with dissimilar properties. This amino acid position is conserved. In addition, the in silico prediction for this alteration is inconclusive. Since supporting evidence is limited at this time, the clinical significance of this alteration remains unclear.